The following is an entry in ClinVar:

ClinVar aggregate classification (germline): Benign. Review status: criteria provided, single submitter (1 of 4 stars). 2 submissions from 2 submitters: Benign (1). 1 of the submissions does not count toward it. Last evaluated 2016-03-29.

Conditions:
MDN1-related disorder. Also called: MDN1-related condition.

Allele frequency attached by ClinVar (database versions not stated): ESP Exome Variant Server 0.02704; gnomAD 0.03119 and 0.03413; 1000 Genomes Project 0.04932; ExAC 0.05074; gnomAD exomes 0.05079 and 0.03929; TOPMed 0.03506; 1000 Genomes Project 30x 0.04888.
gnomAD v4.1: 62,145 of 1,590,582 alleles (3.9%); highest among the groups gnomAD compares: South Asian, 12%; 1,800 homozygotes.

Submissions (2):

Laboratory for Molecular Medicine, Mass General Brigham Personalized Medicine
Classification: Benign. Last evaluated: 2016-03-29. Review status: criteria provided, single submitter. Criteria: LMM Criteria. Collection method: clinical testing. Allele origin: germline.
Comment: Variant identified in a genome or exome case(s) and assessed due to predicted null impact of the variant or pathogenic assertions in the literature or databases. Disclaimer: This variant has not undergone full assessment. The following are preliminary notes: Frequency

PreventionGenetics, part of Exact Sciences
Classification: Benign for MDN1-related condition. Last evaluated: 2019-07-10. Review status: no assertion criteria provided. Collection method: clinical testing. Allele origin: germline. Not counted in ClinVar's aggregate classification.
Comment: This variant is classified as benign based on ACMG/AMP sequence variant interpretation guidelines (Richards et al. 2015 PMID: 25741868, with internal and published modifications).

NM_014611.3(MDN1):c.12796A>G (p.Arg4266Gly)

Genes: MDN1 (midasin AAA ATPase 1; minus strand), MDN1-AS1 (MDN1 antisense RNA 1; plus strand). Cytogenetic location: 6q15.
Variant type: single nucleotide variant.
Coding change: c.12796A>G on transcript NM_014611.3 (MANE Select); coding-DNA position 12796, A replaced by G.
Protein change: p.Arg4266Gly; replaces arginine 4266 with glycine.
Molecular consequence: missense variant.
Genome position (GRCh38, 1-based): chr6:89,674,555, T>C on the plus strand (A>G on the coding strand, the complement: MDN1 is on the minus strand). VCF-style: chr6-89674555-T-C. GRCh37 (hg19) VCF-style: chr6-90384274-T-C.
Other names: c.12796A>G (NM_014611.2); short protein forms R4266G.
Identifiers: ClinVar variation 403078 (VCV000403078.6), dbSNP rs41273327, ClinGen allele CA3922939.